The following is an entry in ClinVar:

ClinVar aggregate classification (germline): Conflicting classifications of pathogenicity. Review status: criteria provided, conflicting classifications (1 of 4 stars). 3 submissions from 3 submitters: Uncertain significance (2); Likely benign (1). Last evaluated 2026-10-01.

Conditions:
Cardiovascular phenotype. Identifiers: MedGen CN230736.
Noonan syndrome 9 (NS9). Identifiers: Orphanet 648, MedGen C4225282, MONDO:0014691, OMIM 616559.

Allele frequency attached by ClinVar (database versions not stated): gnomAD 0.00001; gnomAD exomes 0.00002; ExAC 0.00003.
gnomAD v4.1: 31 of 1,587,638 alleles (0.002%); highest among the groups gnomAD compares: South Asian, 0.014%; 1 homozygote.

Submissions (3):

St. Jude Molecular Pathology, St. Jude Children's Research Hospital
Classification: Uncertain significance for Noonan syndrome 9. Last evaluated: 2026-10-01. Review status: criteria provided, single submitter. Criteria: St. Jude Assertion Criteria 2020. Collection method: clinical testing. Allele origin: germline.
Comment: The SOS2 c.3470A>G p.(His1157Arg) missense change has a maximum subpopulation frequency of 0.010% in gnomAD v2.1.1. The in silico tool REVEL predicts a benign effect on protein function, but to our knowledge this predict ion has not been confirmed by functional studies. To our knowledge, this variant has not been reported in individuals with Noonan syndrome. In summary, the evidence currently available is insufficient to determine the clinical significance of this varian t. It has therefore been classified as of uncertain significance (VUS-Low).

Labcorp Genetics (formerly Invitae), Labcorp
Classification: Likely benign for Noonan syndrome 9. Last evaluated: 2024-10-16. Review status: criteria provided, single submitter. Criteria: Invitae Variant Classification Sherloc (09022015). Collection method: clinical testing. Allele origin: germline.

Ambry Genetics
Classification: Uncertain significance for Cardiovascular phenotype. Last evaluated: 2023-06-28. Review status: criteria provided, single submitter. Criteria: Ambry Variant Classification Scheme 2023. Collection method: clinical testing. Allele origin: germline.
Comment: The p.H1157R variant (also known as c.3470A>G), located in coding exon 22 of the SOS2 gene, results from an A to G substitution at nucleotide position 3470. The histidine at codon 1157 is replaced by arginine, an amino acid with highly similar properties. This amino acid position is conserved. In addition, this alteration is predicted to be tolerated by in silico analysis. Since supporting evidence is limited at this time, the clinical significance of this alteration remains unclear.

NM_006939.4(SOS2):c.3470A>G (p.His1157Arg)

Gene: SOS2 (SOS Ras/Rho guanine nucleotide exchange factor 2; minus strand). Cytogenetic location: 14q21.3.
Variant type: single nucleotide variant.
Coding change: c.3470A>G on transcript NM_006939.4 (MANE Select); coding-DNA position 3470, A replaced by G.
Protein change: p.His1157Arg; replaces histidine 1157 with arginine.
Molecular consequence: missense variant.
Genome position (GRCh38, 1-based): chr14:50,120,294, T>C on the plus strand (A>G on the coding strand, the complement: SOS2 is on the minus strand). VCF-style: chr14-50120294-T-C. GRCh37 (hg19) VCF-style: chr14-50587012-T-C.
Other names: c.3371A>G, p.His1124Arg (NM_001411020.1); short protein forms H1157R, H1124R.
Identifiers: ClinVar variation 1924539 (VCV001924539.7), dbSNP rs765598266, ClinGen allele CA7176794.